The following is an entry in ClinVar:

ClinVar aggregate classification (germline): Uncertain significance (1 of 4 stars; one submission).

Conditions:
Spinocerebellar ataxia type 19/22 (SCA19). Also called: SPINOCEREBELLAR ATAXIA 19; SPINOCEREBELLAR ATAXIA 22. Identifiers: Orphanet 98772, MedGen C1846367, MONDO:0011819, OMIM 607346.

Allele frequency attached by ClinVar (database versions not stated): TOPMed below 0.00001.
gnomAD v4.1: 4 of 1,606,154 alleles (0.00025%); highest among the groups gnomAD compares: Non-Finnish European, 0.00034%; no homozygotes.

Submission:

Labcorp Genetics (formerly Invitae), Labcorp
Classification: Uncertain significance for Spinocerebellar ataxia type 19/22. Last evaluated: 2022-02-05. Review status: criteria provided, single submitter. Criteria: Invitae Variant Classification Sherloc (09022015). Collection method: clinical testing. Allele origin: germline.
Comment: This sequence change falls in intron 4 of the KCND3 gene. It does not directly change the encoded amino acid sequence of the KCND3 protein. It affects a nucleotide within the consensus splice site. This variant is not present in population databases (gnomAD no frequency). This variant has not been reported in the literature in individuals affected with KCND3-related conditions. Variants that disrupt the consensus splice site are a relatively common cause of aberrant splicing (PMID: 17576681, 9536098). Algorithms developed to predict the effect of sequence changes on RNA splicing suggest that this variant is not likely to affect RNA splicing. In summary, the available evidence is currently insufficient to determine the role of this variant in disease. Therefore, it has been classified as a Variant of Uncertain Significance.

Literature cited by the submitters: PubMed 17576681; PubMed 9536098.

NM_001378969.1(KCND3):c.1371+4G>C

Gene: KCND3 (potassium voltage-gated channel subfamily D member 3; minus strand). Cytogenetic location: 1p13.2.
Variant type: single nucleotide variant.
Coding change: c.1371+4G>C on transcript NM_001378969.1 (MANE Select); 4 bases into the intron after coding-DNA position 1371, G replaced by C.
Molecular consequence: intron variant.
Genome position (GRCh38, 1-based): chr1:111,780,686, C>G on the plus strand (G>C on the coding strand, the complement: KCND3 is on the minus strand). VCF-style: chr1-111780686-C-G. GRCh37 (hg19) VCF-style: chr1-112323308-C-G.
Other names: c.1371+4G>C (NM_001378970.1, NM_172198.3, NM_004980.5).
Identifiers: ClinVar variation 2200503 (VCV002200503.4), dbSNP rs1664339282, ClinGen allele CA1189063310.
Genomic context (GRCh38, chr1:111,780,686, plus strand): 5'-GGAAAGAGAAAACAAGCCCATCTACCCCTTTATGTTCCCTAGCCCAGGTCCTCTAGGCAC[C>G]TACCGTCAGCTCCAGCGCCTCGTTGAGGAGCCCGTTGCGCTTGCTGTGCAGGTATGCATT-3'